The following is an entry in ClinVar:

NM_201384.3(PLEC):c.4310C>T (p.Ala1437Val)

Gene: PLEC (plectin; minus strand). Cytogenetic location: 8q24.3.
Variant type: single nucleotide variant.
Coding change: c.4310C>T on transcript NM_201384.3 (MANE Select); coding-DNA position 4310, C replaced by T.
Protein change: p.Ala1437Val; replaces alanine 1437 with valine.
Molecular consequence: missense variant.
Genome position (GRCh38, 1-based): chr8:143,925,619, G>A on the plus strand (C>T on the coding strand, the complement: PLEC is on the minus strand). VCF-style: chr8-143925619-G-A. GRCh37 (hg19) VCF-style: chr8-144999787-G-A.
Other names: c.4391C>T, p.Ala1464Val (NM_000445.5); c.4268C>T, p.Ala1423Val (NM_201378.4); c.4244C>T, p.Ala1415Val (NM_201379.3); c.4721C>T, p.Ala1574Val (NM_201380.4); c.4214C>T, p.Ala1405Val (NM_201381.3); c.4310C>T, p.Ala1437Val (NM_201382.4); c.4322C>T, p.Ala1441Val (NM_201383.3); short protein forms A1464V, A1415V, A1423V, A1405V, A1437V, A1441V, A1574V.
Identifiers: ClinVar variation 2045367 (VCV002045367.4), dbSNP rs1473764921, ClinGen allele CA372558147.
Genomic context (GRCh38, chr8:143,925,619, plus strand): 5'-ACCACGCGGATCTCCTCCTCGATGCGCAGCCGGCTGCGCTCAGCCGCCTCTGCCTGCCGG[G>A]CCTTGGCCTGGATCTCCGCCTCCGAGCTCTGCCGCAGCTGCTGCAGCTCCTCCTGAATGC-3'
Protein context (NP_958786.1, residues 1427-1447): QSSEAEIQAK[Ala1437Val]RQAEAAERSR

ClinVar aggregate classification (germline): Uncertain significance (1 of 4 stars; one submission).

Conditions:
Epidermolysis bullosa simplex 5B, with muscular dystrophy (EBS5B). Also called: Epidermolysis bullosa simplex with muscular dystrophy; EPIDERMOLYSIS BULLOSA SIMPLEX AND LIMB-GIRDLE MUSCULAR DYSTROPHY. Identifiers: Orphanet 257, MedGen C2931072, MONDO:0009181, OMIM 226670.
Epidermolysis bullosa simplex, Ogna type (EBS5A). Also called: Pidermolysis bullosa simplex 5A, Ogna type; EPIDERMOLYSIS BULLOSA SIMPLEX 5A, OGNA TYPE. Identifiers: Orphanet 79401, MedGen C0432317, MONDO:0007555, OMIM 131950.
Epidermolysis bullosa simplex 5C, with pyloric atresia (EBS5C). Also called: PLEC-Related Epidermolysis Bullosa with Pyloric Atresia; Epidermolysis bullosa simplex with pyloric atresia; PLEC1-Related Epidermolysis Bullosa with Pyloric Atresia. Identifiers: Orphanet 158684, MedGen C2677349, MONDO:0012807, OMIM 612138.
Autosomal recessive limb-girdle muscular dystrophy type 2Q (LGMDR17). Also called: MUSCULAR DYSTROPHY, LIMB-GIRDLE, AUTOSOMAL RECESSIVE 17. Identifiers: Orphanet 254361, MedGen C3150989, MONDO:0013390, OMIM 613723.
Epidermolysis bullosa simplex with nail dystrophy (EBS5D). Identifiers: MedGen C4225309, MONDO:0014661, OMIM 616487.

Allele frequency attached by ClinVar (database versions not stated): TOPMed below 0.00001.
gnomAD v4.1: 8 of 1,582,890 alleles (0.00051%); highest among the groups gnomAD compares: Non-Finnish European, 0.0006%; no homozygotes.

Submission:

Labcorp Genetics (formerly Invitae), Labcorp
Classification: Uncertain significance for Autosomal recessive limb-girdle muscular dystrophy type 2Q; Epidermolysis bullosa simplex, Ogna type; Epidermolysis bullosa simplex with nail dystrophy; Epidermolysis bullosa simplex 5C, with pyloric atresia; Epidermolysis bullosa simplex 5B, with muscular dystrophy. Last evaluated: 2025-09-08. Review status: criteria provided, single submitter. Criteria: Invitae Variant Classification Sherloc (09022015). Collection method: clinical testing. Allele origin: germline.
Comment: This sequence change replaces alanine, which is neutral and non-polar, with valine, which is neutral and non-polar, at codon 1464 of the PLEC protein (p.Ala1464Val). The frequency data for this variant in the population databases is considered unreliable, as metrics indicate poor data quality at this position in the gnomAD database. This variant has not been reported in the literature in individuals affected with PLEC-related conditions. ClinVar contains an entry for this variant (Variation ID: 2045367). Invitae Evidence Modeling of protein sequence and biophysical properties (such as structural, functional, and spatial information, amino acid conservation, physicochemical variation, residue mobility, and thermodynamic stability) indicates that this missense variant is not expected to disrupt PLEC protein function with a negative predictive value of 80%. In summary, the available evidence is currently insufficient to determine the role of this variant in disease. Therefore, it has been classified as a Variant of Uncertain Significance.